The following is an entry in ClinVar:

NM_182641.4(BPTF):c.7894C>T (p.Leu2632Phe)

Gene: BPTF (bromodomain PHD finger transcription factor; plus strand). Cytogenetic location: 17q24.2.
Variant type: single nucleotide variant.
Coding change: c.7894C>T on transcript NM_182641.4 (MANE Select); coding-DNA position 7894, C replaced by T.
Protein change: p.Leu2632Phe; replaces leucine 2632 with phenylalanine.
Molecular consequence: missense variant.
Genome position (GRCh38, 1-based): chr17:67,948,274, C>T. VCF-style: chr17-67948274-C-T. GRCh37 (hg19) VCF-style: chr17-65944390-C-T.
Other names: c.7843C>T, p.Leu2615Phe (NM_004459.7); c.7894C>T (NM_182641.3); short protein forms L2632F, L2615F.
Identifiers: ClinVar variation 2096278 (VCV002096278.5), dbSNP rs2065959376, ClinGen allele CA400728663.

ClinVar aggregate classification (germline): Uncertain significance. Review status: criteria provided, multiple submitters, no conflicts (2 of 4 stars). 2 submissions from 2 submitters: Uncertain significance (2). Last evaluated 2026-03-10.

Conditions:
Inborn genetic diseases. Identifiers: MedGen C0950123, MeSH D030342.

Allele frequency attached by ClinVar (database versions not stated): gnomAD exomes below 0.00001; gnomAD 0.00001.
gnomAD v4.1: 2 of 1,613,712 alleles (0.00012%); highest among the groups gnomAD compares: Admixed American, 0.0017%; no homozygotes.

Submissions (2):

Ambry Genetics
Classification: Uncertain significance for Inborn genetic diseases. Last evaluated: 2026-03-10. Review status: criteria provided, single submitter. Criteria: Ambry Variant Classification Scheme 2023. Collection method: clinical testing. Allele origin: germline.

Labcorp Genetics (formerly Invitae), Labcorp
Classification: Uncertain significance. Last evaluated: 2022-09-03. Review status: criteria provided, single submitter. Criteria: Invitae Variant Classification Sherloc (09022015). Collection method: clinical testing. Allele origin: germline.
Comment: This variant is not present in population databases (gnomAD no frequency). This sequence change replaces leucine, which is neutral and non-polar, with phenylalanine, which is neutral and non-polar, at codon 2615 of the BPTF protein (p.Leu2615Phe). This variant has not been reported in the literature in individuals affected with BPTF-related conditions. In summary, the available evidence is currently insufficient to determine the role of this variant in disease. Therefore, it has been classified as a Variant of Uncertain Significance. Algorithms developed to predict the effect of missense changes on protein structure and function are either unavailable or do not agree on the potential impact of this missense change (SIFT: "Deleterious"; PolyPhen-2: "Probably Damaging"; Align-GVGD: "Class C0").